The following is an entry in ClinVar:

ClinVar aggregate classification (germline): Likely benign (1 of 4 stars; one submission).

Submission:

CeGaT Center for Human Genetics Tuebingen
Classification: Likely benign. Last evaluated: 2025-11-01. Review status: criteria provided, single submitter. Criteria: CeGaT Center For Human Genetics Tuebingen Variant Classification Criteria Version 2. Collection method: clinical testing. Allele origin: germline. Affected: yes. Observed: 1 variant allele.
Comment: RUSC2: PM2:Supporting, BP4, BP7

NM_014806.5(RUSC2):c.1599G>A (p.Gly533=)

Gene: RUSC2 (RUN and SH3 domain containing 2; plus strand). Cytogenetic location: 9p13.3.
Variant type: single nucleotide variant.
Coding change: c.1599G>A on transcript NM_014806.5 (MANE Select); coding-DNA position 1599, G replaced by A.
Protein change: p.Gly533=; no amino-acid change (glycine 533 retained).
Molecular consequence: synonymous variant. On other transcripts: non-coding transcript variant (1), intron variant (1).
Genome position (GRCh38, 1-based): chr9:35,548,120, G>A. VCF-style: chr9-35548120-G-A. GRCh37 (hg19) VCF-style: chr9-35548117-G-A.
Other names: c.1599G>A, p.Gly533= (NM_001135999.2); c.-620-6940G>A (NM_001330740.2).
Identifiers: ClinVar variation 4535289 (VCV004535289.6).